The following is an entry in ClinVar:

NM_005157.6(ABL1):c.570C>A (p.Ser190Arg)

Gene: ABL1 (ABL proto-oncogene 1, non-receptor tyrosine kinase; plus strand). Cytogenetic location: 9q34.12.
Variant type: single nucleotide variant.
Coding change: c.570C>A on transcript NM_005157.6 (MANE Select); coding-DNA position 570, C replaced by A.
Protein change: p.Ser190Arg; replaces serine 190 with arginine.
Molecular consequence: missense variant.
Genome position (GRCh38, 1-based): chr9:130,862,783, C>A. VCF-style: chr9-130862783-C-A. GRCh37 (hg19) VCF-style: chr9-133738170-C-A.
Other names: c.627C>A, p.Ser209Arg (NM_007313.3); short protein forms S190R, S209R.
Identifiers: ClinVar variation 2854360 (VCV002854360.3), dbSNP rs1831095170, ClinGen allele CA375262336.

ClinVar aggregate classification (germline): Uncertain significance (1 of 4 stars; one submission).

Allele frequency attached by ClinVar (database versions not stated): TOPMed below 0.00001.

Submission:

Labcorp Genetics (formerly Invitae), Labcorp
Classification: Uncertain significance. Last evaluated: 2023-09-24. Review status: criteria provided, single submitter. Criteria: Invitae Variant Classification Sherloc (09022015). Collection method: clinical testing. Allele origin: germline.
Comment: This sequence change replaces serine, which is neutral and polar, with arginine, which is basic and polar, at codon 209 of the ABL1 protein (p.Ser209Arg). This variant is not present in population databases (gnomAD no frequency). This variant has not been reported in the literature in individuals affected with ABL1-related conditions. Advanced modeling of protein sequence and biophysical properties (such as structural, functional, and spatial information, amino acid conservation, physicochemical variation, residue mobility, and thermodynamic stability) performed at Invitae indicates that this missense variant is expected to disrupt ABL1 protein function. In summary, the available evidence is currently insufficient to determine the role of this variant in disease. Therefore, it has been classified as a Variant of Uncertain Significance.